The following is an entry in ClinVar:

ClinVar aggregate classification (germline): Uncertain significance (1 of 4 stars; one submission).

gnomAD v4.1: 8 of 1,609,774 alleles (0.0005%); highest among the groups gnomAD compares: African/African-American, 0.0013%; no homozygotes.

Submission:

Labcorp Genetics (formerly Invitae), Labcorp
Classification: Uncertain significance. Last evaluated: 2024-12-17. Review status: criteria provided, single submitter. Criteria: Invitae Variant Classification Sherloc (09022015). Collection method: clinical testing. Allele origin: germline.
Comment: This sequence change replaces valine, which is neutral and non-polar, with methionine, which is neutral and non-polar, at codon 653 of the CAMK2B protein (p.Val653Met). This variant is not present in population databases (gnomAD no frequency). This variant has not been reported in the literature in individuals affected with CAMK2B-related conditions. ClinVar contains an entry for this variant (Variation ID: 2965928). An algorithm developed to predict the effect of missense changes on protein structure and function (PolyPhen-2) suggests that this variant is likely to be disruptive. In summary, the available evidence is currently insufficient to determine the role of this variant in disease. Therefore, it has been classified as a Variant of Uncertain Significance.

NM_001220.5(CAMK2B):c.1957G>A (p.Val653Met)

Gene: CAMK2B (calcium/calmodulin dependent protein kinase II beta; minus strand). Cytogenetic location: 7p13.
Variant type: single nucleotide variant.
Coding change: c.1957G>A on transcript NM_001220.5 (MANE Select); coding-DNA position 1957, G replaced by A.
Protein change: p.Val653Met; replaces valine 653 with methionine.
Molecular consequence: missense variant.
Genome position (GRCh38, 1-based): chr7:44,220,106, C>T on the plus strand (G>A on the coding strand, the complement: CAMK2B is on the minus strand). VCF-style: chr7-44220106-C-T. GRCh37 (hg19) VCF-style: chr7-44259705-C-T.
Other names: c.1585G>A, p.Val529Met (NM_001293170.2, NM_172078.3); c.1513G>A, p.Val505Met (NM_172079.3); c.1510G>A, p.Val504Met (NM_172080.3); c.1468G>A, p.Val490Met (NM_172081.3); c.1435G>A, p.Val479Met (NM_172082.3); c.1396G>A, p.Val466Met (NM_172083.3); c.1306G>A, p.Val436Met (NM_172084.3); short protein forms V479M, V653M, V466M, V504M, V505M, V436M, V490M, V529M.
Identifiers: ClinVar variation 2965928 (VCV002965928.3), dbSNP rs1282961937, ClinGen allele CA367367987.